The following is an entry in ClinVar:

NM_183357.3(ADCY5):c.467T>A (p.Val156Glu)

Gene: ADCY5 (adenylate cyclase 5; minus strand). Cytogenetic location: 3q21.1.
Variant type: single nucleotide variant.
Coding change: c.467T>A on transcript NM_183357.3 (MANE Select); coding-DNA position 467, T replaced by A.
Protein change: p.Val156Glu; replaces valine 156 with glutamic acid.
Molecular consequence: missense variant.
Genome position (GRCh38, 1-based): chr3:123,448,079, A>T on the plus strand (T>A on the coding strand, the complement: ADCY5 is on the minus strand). VCF-style: chr3-123448079-A-T. GRCh37 (hg19) VCF-style: chr3-123166926-A-T.
Other names: c.467T>A, p.Val156Glu (NM_001378259.1); c.467T>A (NM_183357.2); short protein forms V156E.
Identifiers: ClinVar variation 1381207 (VCV001381207.9), dbSNP rs1440236095, ClinGen allele CA354357786.

ClinVar aggregate classification (germline): Uncertain significance. Review status: criteria provided, multiple submitters, no conflicts (2 of 4 stars). 2 submissions from 2 submitters: Uncertain significance (2). Last evaluated 2023-05-31.

Conditions:
Inborn genetic diseases. Identifiers: MedGen C0950123, MeSH D030342.

Allele frequency attached by ClinVar (database versions not stated): gnomAD exomes below 0.00001; gnomAD 0.00001.
gnomAD v4.1: 4 of 1,222,842 alleles (0.00033%); highest among the groups gnomAD compares: Non-Finnish European, 0.00041%; no homozygotes.

Submissions (2):

Ambry Genetics
Classification: Uncertain significance for Inborn genetic diseases. Last evaluated: 2023-05-31. Review status: criteria provided, single submitter. Criteria: Ambry Variant Classification Scheme 2023. Collection method: clinical testing. Allele origin: germline.

Labcorp Genetics (formerly Invitae), Labcorp
Classification: Uncertain significance. Last evaluated: 2021-04-23. Review status: criteria provided, single submitter. Criteria: Invitae Variant Classification Sherloc (09022015). Collection method: clinical testing. Allele origin: germline.
Comment: In summary, the available evidence is currently insufficient to determine the role of this variant in disease. Therefore, it has been classified as a Variant of Uncertain Significance. Advanced modeling of protein sequence and biophysical properties (such as structural, functional, and spatial information, amino acid conservation, physicochemical variation, residue mobility, and thermodynamic stability) performed at Invitae indicates that this missense variant is not expected to disrupt ADCY5 protein function. This variant has not been reported in the literature in individuals with ADCY5-related conditions. The frequency data for this variant in the population databases is considered unreliable, as metrics indicate insufficient coverage at this position in the ExAC database. This sequence change replaces valine with glutamic acid at codon 156 of the ADCY5 protein (p.Val156Glu). The valine residue is highly conserved and there is a moderate physicochemical difference between valine and glutamic acid.